The following is an entry in ClinVar:

ClinVar aggregate classification (germline): Likely pathogenic. Review status: criteria provided, single submitter (1 of 4 stars). 2 submissions from 2 submitters: Likely pathogenic (1). 1 of the submissions does not count toward it. Last evaluated 2025-08-05.

Conditions:
Cystic fibrosis (CF). Also called: MUCOVISCIDOSIS. Identifiers: Orphanet 586, MedGen C0010674, MONDO:0009061, OMIM 219700. Disease mechanism: loss of function.
CFTR-related disorder (CFTR-RD). Also called: CFTR-related disorders; CFTR-related condition. Identifiers: MedGen C5924204, MONDO:7770004.

Submissions (2):

Natera, Inc.
Classification: Likely pathogenic for CFTR-related disorders. Last evaluated: 2025-08-05. Review status: criteria provided, single submitter. Criteria: Natera Variant Classification Schema (03/2026). Collection method: clinical testing. Allele origin: germline.
Comment: The c.3963+2T>G variant in CFTR is a canonical splice donor site variant predicted to affect pre-mRNA splicing, which may result in an abnormal transcript and altered protein product. This variant is expected to result in nonsense mediated decay, truncation, or a dysfunctional protein product. This variant is rare in the general population with a frequency below the threshold expected for the associated phenotype(s). Given the available evidence, this variant is classified as Likely Pathogenic.

Counsyl
Classification: Likely pathogenic for Cystic fibrosis. Last evaluated: 2017-11-03. Review status: no assertion criteria provided. Collection method: clinical testing. Allele origin: unknown. Not counted in ClinVar's aggregate classification.

NM_000492.4(CFTR):c.3963+2T>G

Gene: CFTR (CF transmembrane conductance regulator; plus strand). Cytogenetic location: 7q31.2.
Variant type: single nucleotide variant.
Coding change: c.3963+2T>G on transcript NM_000492.4 (MANE Select); the canonical splice donor site of the intron after coding-DNA position 3963, T replaced by G.
Molecular consequence: splice donor variant.
Genome position (GRCh38, 1-based): chr7:117,652,933, T>G. VCF-style: chr7-117652933-T-G. GRCh37 (hg19) VCF-style: chr7-117292987-T-G.
Identifiers: ClinVar variation 554799 (VCV000554799.3), dbSNP rs397508650, ClinGen allele CA368978729.
Genomic context (GRCh38, chr7:117,652,933, plus strand): 5'-AAAACTTGGATCCCTATGAACAGTGGAGTGATCAAGAAATATGGAAAGTTGCAGATGAGG[T>G]AAGGCTGCTAACTGAAATGATTTTGAAAGGGGTAACTCATACCAACACAAATGGCTGATA-3'